The following is an entry in ClinVar:

ClinVar aggregate classification (germline): Uncertain significance (0 of 4 stars; one submission).

Conditions:
SH2B1-related disorder. Also called: SH2B1-related condition.

gnomAD v4.1: 12 of 1,613,372 alleles (0.00074%); highest among the groups gnomAD compares: Admixed American, 0.02%; no homozygotes.

Submission:

PreventionGenetics, part of Exact Sciences
Classification: Uncertain significance for SH2B1-related condition. Last evaluated: 2024-06-03. Review status: no assertion criteria provided. Collection method: clinical testing. Allele origin: germline.
Comment: The SH2B1 c.275T>A variant is predicted to result in the amino acid substitution p.Leu92Gln. To our knowledge, this variant has not been reported in the literature. This variant is reported in 0.029% of alleles in individuals of Latino descent in gnomAD. At this time, the clinical significance of this variant is uncertain due to the absence of conclusive functional and genetic evidence.

NM_001387430.1(SH2B1):c.275T>A (p.Leu92Gln)

Gene: SH2B1 (SH2B adaptor protein 1; plus strand). Cytogenetic location: 16p11.2.
Variant type: single nucleotide variant.
Coding change: c.275T>A on transcript NM_001387430.1 (MANE Select); coding-DNA position 275, T replaced by A.
Protein change: p.Leu92Gln; replaces leucine 92 with glutamine.
Molecular consequence: missense variant. On other transcripts: intron variant (1).
Genome position (GRCh38, 1-based): chr16:28,866,369, T>A. VCF-style: chr16-28866369-T-A. GRCh37 (hg19) VCF-style: chr16-28877690-T-A.
Other names: c.275T>A, p.Leu92Gln (NM_001145795.2, NM_001145796.2, NM_001145797.2 and 4 more transcripts); c.-26-1005T>A (NM_001308294.2); short protein forms L92Q.
Identifiers: ClinVar variation 3346690 (VCV003346690.1).
Genomic context (GRCh38, chr16:28,866,369, plus strand): 5'-TCCTGCAGCACTTTGAAGCCGAGGTGGCCCGGGCCTCTGGCTCCCTGTCGCCACCCATCC[T>A]GGCTCCCCTGAGCCCTGGTGCGGAGATTTCGCCACATGACCTGTCCCTTGAGAGCTGCAG-3'
Protein context (NP_001374359.1, residues 82-102): RASGSLSPPI[Leu92Gln]APLSPGAEIS